The following is an entry in ClinVar:

NM_005732.4(RAD50):c.518A>G (p.Lys173Arg)

Gene: RAD50 (RAD50 double strand break repair protein; plus strand). Cytogenetic location: 5q31.1.
Variant type: single nucleotide variant.
Coding change: c.518A>G on transcript NM_005732.4 (MANE Select); coding-DNA position 518, A replaced by G.
Protein change: p.Lys173Arg; replaces lysine 173 with arginine.
Molecular consequence: missense variant.
Genome position (GRCh38, 1-based): chr5:132,579,469, A>G. VCF-style: chr5-132579469-A-G. GRCh37 (hg19) VCF-style: chr5-131915161-A-G.
Other names: c.518A>G (NM_005732.3); short protein forms K173R.
Identifiers: ClinVar variation 1060527 (VCV001060527.10), dbSNP rs2149837793, ClinGen allele CA360934882.
Genomic context (GRCh38, chr5:132,579,469, plus strand): 5'-ATGTCATTTTCTGTCATCAAGAAGATTCTAATTGGCCTTTAAGTGAAGGAAAGGCTTTGA[A>G]GCAAAAGTTTGATGAGATTTTTTCAGCAACAAGGTTTGTAACCCTTAAATAGACTTTGTA-3'
Protein context (NP_005723.2, residues 163-183): NWPLSEGKAL[Lys173Arg]QKFDEIFSAT

ClinVar aggregate classification (germline): Uncertain significance. Review status: criteria provided, multiple submitters, no conflicts (2 of 4 stars). 2 submissions from 2 submitters: Uncertain significance (2). Last evaluated 2025-04-25.

Conditions:
Hereditary cancer-predisposing syndrome. Also called: Neoplastic Syndromes, Hereditary; Hereditary Cancer Syndrome; Hereditary neoplastic syndrome; Tumor predisposition. Identifiers: Orphanet 140162, MedGen C0027672, MeSH D009386, MONDO:0015356.

Submissions (2):

Ambry Genetics
Classification: Uncertain significance for Hereditary cancer-predisposing syndrome. Last evaluated: 2025-04-25. Review status: criteria provided, single submitter. Criteria: Ambry Variant Classification Scheme 2023. Collection method: clinical testing. Allele origin: germline.
Comment: The p.K173R variant (also known as c.518A>G), located in coding exon 4 of the RAD50 gene, results from an A to G substitution at nucleotide position 518. The lysine at codon 173 is replaced by arginine, an amino acid with highly similar properties. This amino acid position is conserved. In addition, the in silico prediction for this alteration is inconclusive. Based on the available evidence, the clinical significance of this variant remains unclear.

Labcorp Genetics (formerly Invitae), Labcorp
Classification: Uncertain significance for Hereditary cancer-predisposing syndrome. Last evaluated: 2022-05-30. Review status: criteria provided, single submitter. Criteria: Invitae Variant Classification Sherloc (09022015). Collection method: clinical testing. Allele origin: germline.
Comment: In summary, the available evidence is currently insufficient to determine the role of this variant in disease. Therefore, it has been classified as a Variant of Uncertain Significance. Algorithms developed to predict the effect of missense changes on protein structure and function (SIFT, PolyPhen-2, Align-GVGD) all suggest that this variant is likely to be disruptive. ClinVar contains an entry for this variant (Variation ID: 1060527). This sequence change replaces lysine, which is basic and polar, with arginine, which is basic and polar, at codon 173 of the RAD50 protein (p.Lys173Arg). This variant is not present in population databases (gnomAD no frequency). This variant has not been reported in the literature in individuals affected with RAD50-related conditions.